The following is an entry in ClinVar:

NM_000231.3(SGCG):c.297+63A>C

Gene: SGCG (sarcoglycan gamma; plus strand). Cytogenetic location: 13q12.12.
Variant type: single nucleotide variant.
Coding change: c.297+63A>C on transcript NM_000231.3 (MANE Select); 63 bases into the intron after coding-DNA position 297, A replaced by C.
Molecular consequence: intron variant.
Genome position (GRCh38, 1-based): chr13:23,234,775, A>C. VCF-style: chr13-23234775-A-C. GRCh37 (hg19) VCF-style: chr13-23808914-A-C.
Other names: c.351+63A>C (NM_001378244.1); c.297+63A>C (NM_001378245.1, NM_001378246.1).
Identifiers: ClinVar variation 671719 (VCV000671719.4), dbSNP rs4769246, ClinGen allele CA246643739.

ClinVar aggregate classification (germline): Benign. Review status: criteria provided, multiple submitters, no conflicts (2 of 4 stars). 3 submissions from 3 submitters: Benign (3). Last evaluated 2021-07-01.

Conditions:
Autosomal recessive limb-girdle muscular dystrophy type 2C (LGMDR5). Also called: MUSCULAR DYSTROPHY, LIMB-GIRDLE, AUTOSOMAL RECESSIVE 5; MUSCULAR DYSTROPHY, DUCHENNE-LIKE. Identifiers: Orphanet 353, MedGen C0410173, MONDO:0009677, OMIM 253700. Disease mechanism: Affects gamma-sarcoglycan and also disrupts the integrity of the entire sarcoglycan complex..

Allele frequency attached by ClinVar (database versions not stated): TOPMed 0.14109; gnomAD 0.14951 and 0.15162; gnomAD exomes 0.15431; 1000 Genomes Project 30x 0.15584; 1000 Genomes Project 0.15974.
gnomAD v4.1: 168,826 of 1,098,610 alleles (15%); highest among the groups gnomAD compares: East Asian, 30%; 13,926 homozygotes.

Submissions (3):

Pars Genome Lab
Classification: Benign for Autosomal recessive limb-girdle muscular dystrophy type 2C. Last evaluated: 2021-07-01. Review status: criteria provided, single submitter. Criteria: ACMG Guidelines, 2015. Collection method: clinical testing. Allele origin: germline. Affected: no.

GeneDx
Classification: Benign. Last evaluated: 2018-06-14. Review status: criteria provided, single submitter. Criteria: GeneDx Variant Classification (06012015). Collection method: clinical testing. Allele origin: germline. Affected: yes.
Comment: This variant is considered likely benign or benign based on one or more of the following criteria: it is a conservative change, it occurs at a poorly conserved position in the protein, it is predicted to be benign by multiple in silico algorithms, and/or has population frequency not consistent with disease.

Breakthrough Genomics
Classification: Benign. Review status: criteria provided, single submitter. Criteria: ACMG Guidelines, 2015. Collection method: not provided. Allele origin: germline. Inheritance: Autosomal recessive inheritance. Affected: yes.